The following is an entry in ClinVar:

ClinVar aggregate classification (germline): Conflicting classifications of pathogenicity. Review status: criteria provided, conflicting classifications (1 of 4 stars). 9 submissions from 9 submitters: Uncertain significance (4); Benign (1); Likely benign (3). 1 of the submissions does not count toward it. Last evaluated 2026-02-11.

Conditions:
TSC1-related disorder. Also called: TSC1-related condition.
Tuberous sclerosis syndrome (TSC). Also called: Tuberous sclerosis; Tuberous Sclerosis Complex. Identifiers: Orphanet 805, MedGen C0041341, MONDO:0001734.
Hereditary cancer-predisposing syndrome. Also called: Hereditary Cancer Syndrome; Tumor predisposition; Hereditary neoplastic syndrome; Neoplastic Syndromes, Hereditary. Identifiers: Orphanet 140162, MedGen C0027672, MeSH D009386, MONDO:0015356.
Tuberous sclerosis 1 (TSC1). Identifiers: Orphanet 805, MedGen C1854465, MONDO:0008612, OMIM 191100.

Allele frequency attached by ClinVar (database versions not stated): TOPMed 0.00001; gnomAD exomes 0.00002.

Submissions (9):

St. Jude Molecular Pathology, St. Jude Children's Research Hospital
Classification: Uncertain significance for Tuberous sclerosis 1. Last evaluated: 2026-02-11. Review status: criteria provided, single submitter. Criteria: St. Jude Assertion Criteria 2020. Collection method: clinical testing. Allele origin: germline.
Comment: The TSC1 c.3080G>A p.(Arg1027Gln) missense change has a maximum subpopulation frequency of 0.007% in gnomAD v2.1.1. The in silico tool REVEL predicts a benign effect on protein function, but to our knowledge this prediction has not been confirmed by functional studies. To our knowledge, this variant has not been reported in individuals with tuberous sclerosis complex. In summary, the evidence currently available is insufficient to determine the clinical significance of this variant. It has therefore been classified as of uncertain significance.

Labcorp Genetics (formerly Invitae), Labcorp
Classification: Likely benign for Tuberous sclerosis 1. Last evaluated: 2026-01-08. Review status: criteria provided, single submitter. Criteria: Invitae Variant Classification Sherloc (09022015). Collection method: clinical testing. Allele origin: germline.

All of Us Research Program, National Institutes of Health
Classification: Uncertain significance for Tuberous sclerosis syndrome. Last evaluated: 2024-09-23. Review status: criteria provided, single submitter. Criteria: ACMG Guidelines, 2015. Collection method: clinical testing. Allele origin: germline. Inheritance: Autosomal dominant inheritance. Observed: 6 variant alleles, 6 heterozygotes.
Comment: This missense variant replaces arginine with glutamine at codon 1027 of the TSC1 protein. Computational prediction suggests that this variant may not impact protein structure and function (internally defined REVEL score threshold <= 0.5, PMID: 27666373). To our knowledge, functional studies have not been reported for this variant. This variant has not been reported in individuals affected with TSC1-related disorders in the literature. This variant has been identified in 5/249350 chromosomes in the general population by the Genome Aggregation Database (gnomAD). The available evidence is insufficient to determine the role of this variant in disease conclusively. Therefore, this variant is classified as a Variant of Uncertain Significance.

This study involves interpretation of variants in research participants for the purpose of population health screening. Participant phenotype was not available at the time of variant classification. Additional details can be found in publication PMID: 35346344, PMCID: PMC8962531

Color Diagnostics, LLC DBA Color Health
Classification: Uncertain significance for Tuberous sclerosis syndrome. Last evaluated: 2023-12-06. Review status: criteria provided, single submitter. Criteria: ACMG Guidelines, 2015. Collection method: clinical testing. Allele origin: germline.
Comment: This missense variant replaces arginine with glutamine at codon 1027 of the TSC1 protein. Computational prediction suggests that this variant may not impact protein structure and function. To our knowledge, functional studies have not been reported for this variant. This variant has not been reported in individuals affected with TSC1-related disorders in the literature. This variant has been identified in 5/249350 chromosomes in the general population by the Genome Aggregation Database (gnomAD). The available evidence is insufficient to determine the role of this variant in disease conclusively. Therefore, this variant is classified as a Variant of Uncertain Significance.

Revvity Omics, Revvity
Classification: Uncertain significance. Last evaluated: 2023-11-06. Review status: criteria provided, single submitter. Criteria: ACMG Guidelines, 2015. Collection method: clinical testing. Allele origin: germline.

Genome-Nilou Lab
Classification: Benign for Tuberous sclerosis 1. Last evaluated: 2021-11-07. Review status: criteria provided, single submitter. Criteria: ACMG Guidelines, 2015. Collection method: clinical testing. Allele origin: germline. Affected: no.

Ambry Genetics
Classification: Likely benign for Hereditary cancer-predisposing syndrome. Last evaluated: 2021-10-21. Review status: criteria provided, single submitter. Criteria: Ambry Variant Classification Scheme 2023. Collection method: clinical testing. Allele origin: germline.

GeneDx
Classification: Likely benign. Last evaluated: 2018-12-19. Review status: criteria provided, single submitter. Criteria: GeneDx Variant Classification Process June 2021. Collection method: clinical testing. Allele origin: germline. Affected: yes.

PreventionGenetics, part of Exact Sciences
Classification: Likely benign for TSC1-related condition. Last evaluated: 2024-07-02. Review status: no assertion criteria provided. Collection method: clinical testing. Allele origin: germline. Not counted in ClinVar's aggregate classification.
Comment: This variant is classified as likely benign based on ACMG/AMP sequence variant interpretation guidelines (Richards et al. 2015 PMID: 25741868, with internal and published modifications).

NM_000368.5(TSC1):c.3080G>A (p.Arg1027Gln)

Gene: TSC1 (TSC complex subunit 1; minus strand). Cytogenetic location: 9q34.13.
Variant type: single nucleotide variant.
Coding change: c.3080G>A on transcript NM_000368.5 (MANE Select); coding-DNA position 3080, G replaced by A.
Protein change: p.Arg1027Gln; replaces arginine 1027 with glutamine.
Molecular consequence: missense variant.
Genome position (GRCh38, 1-based): chr9:132,896,650, C>T on the plus strand (G>A on the coding strand, the complement: TSC1 is on the minus strand). VCF-style: chr9-132896650-C-T. GRCh37 (hg19) VCF-style: chr9-135772037-C-T.
Other names: p.R1027Q:CGG>CAG; c.3077G>A, p.Arg1026Gln (NM_001162426.2); c.2927G>A, p.Arg976Gln (NM_001162427.2); c.2717G>A, p.Arg906Gln (NM_001362177.2); short protein forms R1027Q, R976Q, R1026Q, R906Q.
Identifiers: ClinVar variation 207638 (VCV000207638.26), dbSNP rs796053461, ClinGen allele CA319309.
Genomic context (GRCh38, chr9:132,896,650, plus strand): 5'-GTAGAAAGCTCGCTGCTGCTGCTGCTGCTGCCTCCACCACCTCTGCTTCCACTACTGCCC[C>T]GGGCGCTGCTGGGCCTGGGGGTCTTGGTCTCACCGTTGTGGCCAGATGCCTCTTCATTGT-3'
Protein context (NP_000359.1, residues 1017-1037): ETKTPRPSSA[Arg1027Gln]GSSGSRGGGG